The following is an entry in ClinVar:

ClinVar aggregate classification (germline): Uncertain significance. Review status: criteria provided, multiple submitters, no conflicts (2 of 4 stars). 2 submissions from 2 submitters: Uncertain significance (2). Last evaluated 2022-11-23.

Conditions:
Charcot-Marie-Tooth disease type 4. Also called: Charcot-Marie-Tooth disease, type IV; Charcot-Marie-Tooth, Type 4. Identifiers: Orphanet 64749, MedGen C4082197, MONDO:0018995.
Inborn genetic diseases. Identifiers: MedGen C0950123, MeSH D030342.

Allele frequency attached by ClinVar (database versions not stated): gnomAD 0.00001; gnomAD exomes 0.00001; ExAC 0.00002.
gnomAD v4.1: 22 of 1,614,178 alleles (0.0014%); highest among the groups gnomAD compares: East Asian, 0.0045%; no homozygotes.

Submissions (2):

Labcorp Genetics (formerly Invitae), Labcorp
Classification: Uncertain significance for Charcot-Marie-Tooth disease type 4. Last evaluated: 2022-11-23. Review status: criteria provided, single submitter. Criteria: Invitae Variant Classification Sherloc (09022015). Collection method: clinical testing. Allele origin: germline.
Comment: In summary, the available evidence is currently insufficient to determine the role of this variant in disease. Therefore, it has been classified as a Variant of Uncertain Significance. Advanced modeling of protein sequence and biophysical properties (such as structural, functional, and spatial information, amino acid conservation, physicochemical variation, residue mobility, and thermodynamic stability) performed at Invitae indicates that this missense variant is expected to disrupt SBF2 protein function. This variant has not been reported in the literature in individuals affected with SBF2-related conditions. This variant is present in population databases (rs540474401, gnomAD 0.01%). This sequence change replaces glutamic acid, which is acidic and polar, with lysine, which is basic and polar, at codon 915 of the SBF2 protein (p.Glu915Lys).

Ambry Genetics
Classification: Uncertain significance for Inborn genetic diseases. Last evaluated: 2022-02-28. Review status: criteria provided, single submitter. Criteria: Ambry Variant Classification Scheme 2023. Collection method: clinical testing. Allele origin: germline.
Comment: The p.E915K variant (also known as c.2743G>A), located in coding exon 22 of the SBF2 gene, results from a G to A substitution at nucleotide position 2743. The glutamic acid at codon 915 is replaced by lysine, an amino acid with similar properties. This amino acid position is conserved. In addition, this alteration is predicted to be deleterious by in silico analysis. Since supporting evidence is limited at this time, the clinical significance of this alteration remains unclear.

NM_030962.4(SBF2):c.2743G>A (p.Glu915Lys)

Genes: SBF2 (SET binding factor 2; minus strand), LOC101928008 (uncharacterized LOC101928008; plus strand). Cytogenetic location: 11p15.4.
Variant type: single nucleotide variant.
Coding change: c.2743G>A on transcript NM_030962.4 (MANE Select); coding-DNA position 2743, G replaced by A.
Protein change: p.Glu915Lys; replaces glutamic acid 915 with lysine.
Molecular consequence: missense variant.
Genome position (GRCh38, 1-based): chr11:9,850,086, C>T on the plus strand (G>A on the coding strand, the complement: SBF2 is on the minus strand). VCF-style: chr11-9850086-C-T. GRCh37 (hg19) VCF-style: chr11-9871633-C-T.
Other names: c.2743G>A, p.Glu915Lys (NM_001386339.1); c.2614G>A, p.Glu872Lys (NM_001386342.1); short protein forms E915K, E872K.
Identifiers: ClinVar variation 1795464 (VCV001795464.3), dbSNP rs540474401, ClinGen allele CA5881465.